The following is an entry in ClinVar:

NM_022437.3(ABCG8):c.1119T>G (p.Cys373Trp)

Gene: ABCG8 (ATP binding cassette subfamily G member 8; plus strand). Cytogenetic location: 2p21.
Variant type: single nucleotide variant.
Coding change: c.1119T>G on transcript NM_022437.3 (MANE Select); coding-DNA position 1119, T replaced by G.
Protein change: p.Cys373Trp; replaces cysteine 373 with tryptophan.
Molecular consequence: missense variant.
Genome position (GRCh38, 1-based): chr2:43,872,130, T>G. VCF-style: chr2-43872130-T-G. GRCh37 (hg19) VCF-style: chr2-44099269-T-G.
Other names: c.1119T>G, p.Cys373Trp (NM_001357321.2); short protein forms C373W.
Identifiers: ClinVar variation 4780478 (VCV004780478.1).

ClinVar aggregate classification (germline): Uncertain significance (1 of 4 stars; one submission).

gnomAD v4.1: 1 of 1,613,998 alleles (0.000062%); highest among the groups gnomAD compares: African/African-American, 0.0013%; no homozygotes.

Submission:

Labcorp Genetics (formerly Invitae), Labcorp
Classification: Uncertain significance. Last evaluated: 2026-01-12. Review status: criteria provided, single submitter. Criteria: Invitae Variant Classification Sherloc (09022015). Collection method: clinical testing. Allele origin: germline.
Comment: This sequence change replaces cysteine, which is neutral and slightly polar, with tryptophan, which is neutral and slightly polar, at codon 373 of the ABCG8 protein (p.Cys373Trp). This variant is not present in population databases (gnomAD no frequency). This variant has not been reported in the literature in individuals affected with ABCG8-related conditions. An algorithm developed to predict the effect of missense changes on protein structure and function (PolyPhen-2) suggests that this variant is likely to be tolerated. In summary, the available evidence is currently insufficient to determine the role of this variant in disease. Therefore, it has been classified as a Variant of Uncertain Significance.